The following is an entry in ClinVar:

NM_003626.5(PPFIA1):c.2451C>T (p.Gly817=)

Gene: PPFIA1 (PTPRF interacting protein alpha 1; plus strand). Cytogenetic location: 11q13.3.
Variant type: single nucleotide variant.
Coding change: c.2451C>T on transcript NM_003626.5 (MANE Select); coding-DNA position 2451, C replaced by T.
Protein change: p.Gly817=; no amino-acid change (glycine 817 retained).
Molecular consequence: synonymous variant. On other transcripts: non-coding transcript variant (1).
Genome position (GRCh38, 1-based): chr11:70,355,774, C>T. VCF-style: chr11-70355774-C-T. GRCh37 (hg19) VCF-style: chr11-70201880-C-T.
Other names: c.2556C>T, p.Gly852= (NM_001378006.1); c.2451C>T, p.Gly817= (NM_177423.3).
Identifiers: ClinVar variation 3050289 (VCV003050289.2), dbSNP rs145603046, ClinGen allele CA6159351.

ClinVar aggregate classification (germline): Benign (0 of 4 stars; one submission).

Conditions:
PPFIA1-related disorder. Also called: PPFIA1-related condition.

Allele frequency attached by ClinVar (database versions not stated): ExAC 0.00113; gnomAD 0.00270; TOPMed 0.00286; ESP Exome Variant Server 0.00346; 1000 Genomes Project 0.00359; 1000 Genomes Project 30x 0.00359.
gnomAD v4.1: 811 of 1,613,386 alleles (0.05%); highest among the groups gnomAD compares: African/African-American, 0.92%; 5 homozygotes.

Submission:

PreventionGenetics, part of Exact Sciences
Classification: Benign for PPFIA1-related condition. Last evaluated: 2020-01-06. Review status: no assertion criteria provided. Collection method: clinical testing. Allele origin: germline.
Comment: This variant is classified as benign based on ACMG/AMP sequence variant interpretation guidelines (Richards et al. 2015 PMID: 25741868, with internal and published modifications).